The following is an entry in ClinVar:

NM_000051.4(ATM):c.6347+9T>G

Genes: ATM (ATM serine/threonine kinase; plus strand), C11orf65 (chromosome 11 open reading frame 65; minus strand). Cytogenetic location: 11q22.3.
Variant type: single nucleotide variant.
Coding change: c.6347+9T>G on transcript NM_000051.4 (MANE Select); 9 bases into the intron after coding-DNA position 6347, T replaced by G.
Molecular consequence: intron variant.
Genome position (GRCh38, 1-based): chr11:108,317,530, T>G. VCF-style: chr11-108317530-T-G. GRCh37 (hg19) VCF-style: chr11-108188257-T-G.
Other names: c.6347+9T>G (NM_001351834.2); c.641-8459A>C (NM_001330368.2); c.*39-8459A>C (NM_001351110.2).
Identifiers: ClinVar variation 1937920 (VCV001937920.5), dbSNP rs2547117965, ClinGen allele CA2580083401.
Genomic context (GRCh38, chr11:108,317,530, plus strand): 5'-ATTACCAAGCAGCATGGAGGAATATGCAGTGGGACCATTGCACTTCCGTCAGGTAAGAAA[T>G]TTGACTTGATTTTTTTTTTTTTGCCTCTCTCCTCATTCTAAACAACAACTGTTTTTCTCT-3'

ClinVar aggregate classification (germline): Likely benign. Review status: criteria provided, multiple submitters, no conflicts (2 of 4 stars). 2 submissions from 2 submitters: Likely benign (2). Last evaluated 2024-06-05.

Conditions:
Familial cancer of breast. Also called: BREAST CANCER, FAMILIAL; Hereditary breast cancer; hereditary breast carcinoma. Identifiers: Orphanet 227535, MedGen C0346153, MONDO:0016419, OMIM 114480. Disease mechanism: loss of function.
Ataxia-telangiectasia syndrome (AT). Also called: Ataxia-telangiectasia, complementation group D; AT, COMPLEMENTATION GROUP C; ATAXIA-TELANGIECTASIA, COMPLEMENTATION GROUP A; ATAXIA-TELANGIECTASIA, FRESNO VARIANT; Ataxia-telangiectasia, complementation group E; LOUIS-BAR SYNDROME. Identifiers: Orphanet 100, MedGen C0004135, MONDO:0008840, OMIM 208900.

Submissions (2):

Myriad Genetics, Inc.
Classification: Likely benign for Familial cancer of breast. Last evaluated: 2024-06-05. Review status: criteria provided, single submitter. Criteria: Myriad Autosomal Dominant, Autosomal Recessive and X-Linked Classification Criteria (2023). Collection method: clinical testing. Allele origin: unknown.
Comment: This variant is considered likely benign. This variant is intronic and is not expected to impact mRNA splicing.

Labcorp Genetics (formerly Invitae), Labcorp
Classification: Likely benign for Ataxia-telangiectasia syndrome. Last evaluated: 2022-10-16. Review status: criteria provided, single submitter. Criteria: Invitae Variant Classification Sherloc (09022015). Collection method: clinical testing. Allele origin: germline.